The following is an entry in ClinVar:

ClinVar aggregate classification (germline): Uncertain significance (1 of 4 stars; one submission).

Conditions:
Nemaline myopathy 10 (NEM10). Identifiers: MedGen C4015360, MONDO:0014513, OMIM 616165.

Allele frequency attached by ClinVar (database versions not stated): ExAC 0.00001.
gnomAD v4.1: 24 of 1,613,434 alleles (0.0015%); highest among the groups gnomAD compares: East Asian, 0.0045%; no homozygotes.

Submission:

Labcorp Genetics (formerly Invitae), Labcorp
Classification: Uncertain significance for Nemaline myopathy 10. Last evaluated: 2021-10-15. Review status: criteria provided, single submitter. Criteria: Invitae Variant Classification Sherloc (09022015). Collection method: clinical testing. Allele origin: germline.
Comment: In summary, the available evidence is currently insufficient to determine the role of this variant in disease. Therefore, it has been classified as a Variant of Uncertain Significance. Algorithms developed to predict the effect of missense changes on protein structure and function output the following: SIFT: "Deleterious"; PolyPhen-2: "Benign"; Align-GVGD: "Class C0". The leucine amino acid residue is found in multiple mammalian species, which suggests that this missense change does not adversely affect protein function. This variant has not been reported in the literature in individuals affected with LMOD3-related conditions. This variant is present in population databases (rs572092252, ExAC 0.002%). This sequence change replaces serine with leucine at codon 37 of the LMOD3 protein (p.Ser37Leu). The serine residue is moderately conserved and there is a large physicochemical difference between serine and leucine.

NM_198271.5(LMOD3):c.110C>T (p.Ser37Leu)

Genes: LMOD3 (leiomodin 3; minus strand), LOC126806710 (CDK7 strongly-dependent group 2 enhancer GRCh37_chr3:69170601-69171800; plus strand). Cytogenetic location: 3p14.1.
Variant type: single nucleotide variant.
Coding change: c.110C>T on transcript NM_198271.5 (MANE Select); coding-DNA position 110, C replaced by T.
Protein change: p.Ser37Leu; replaces serine 37 with leucine.
Molecular consequence: missense variant.
Genome position (GRCh38, 1-based): chr3:69,122,277, G>A on the plus strand (C>T on the coding strand, the complement: LMOD3 is on the minus strand). VCF-style: chr3-69122277-G-A. GRCh37 (hg19) VCF-style: chr3-69171428-G-A.
Other names: c.110C>T, p.Ser37Leu (NM_001304418.3); short protein forms S37L.
Identifiers: ClinVar variation 1365740 (VCV001365740.4), dbSNP rs572092252, ClinGen allele CA2489079.
Genomic context (GRCh38, chr3:69,122,277, plus strand): 5'-TGATCTTTCTGAATCATTCCCACGGGAAGGCTGGGGTCAGGGGCCATGACTTCCATTTCC[G>A]ACTGCAGTTCTTTCAGTTCTTCAGCAGACAAGTTGGCCAAGATTTCATCTTCATTAATCT-3'
Protein context (NP_938012.2, residues 27-47): LSAEELKELQ[Ser37Leu]EMEVMAPDPS